The following is an entry in ClinVar:

NM_024570.4(RNASEH2B):c.286C>A (p.Leu96Met)

Gene: RNASEH2B (ribonuclease H2 subunit B; plus strand). Cytogenetic location: 13q14.3.
Variant type: single nucleotide variant.
Coding change: c.286C>A on transcript NM_024570.4 (MANE Select); coding-DNA position 286, C replaced by A.
Protein change: p.Leu96Met; replaces leucine 96 with methionine.
Molecular consequence: missense variant.
Genome position (GRCh38, 1-based): chr13:50,930,724, C>A. VCF-style: chr13-50930724-C-A. GRCh37 (hg19) VCF-style: chr13-51504860-C-A.
Other names: c.286C>A, p.Leu96Met (NM_001142279.2); short protein forms L96M.
Identifiers: ClinVar variation 1434227 (VCV001434227.6), dbSNP rs2137938188, ClinGen allele CA388258999.

ClinVar aggregate classification (germline): Uncertain significance (1 of 4 stars; one submission).

Conditions:
Aicardi-Goutieres syndrome 2. Identifiers: Orphanet 51, MedGen C3489724, MONDO:0012429, OMIM 610181.

Submission:

Labcorp Genetics (formerly Invitae), Labcorp
Classification: Uncertain significance for Aicardi-Goutieres syndrome 2. Last evaluated: 2024-01-02. Review status: criteria provided, single submitter. Criteria: Invitae Variant Classification Sherloc (09022015). Collection method: clinical testing. Allele origin: germline.
Comment: This sequence change replaces leucine, which is neutral and non-polar, with methionine, which is neutral and non-polar, at codon 96 of the RNASEH2B protein (p.Leu96Met). This variant is not present in population databases (gnomAD no frequency). This variant has not been reported in the literature in individuals affected with RNASEH2B-related conditions. ClinVar contains an entry for this variant (Variation ID: 1434227). Algorithms developed to predict the effect of missense changes on protein structure and function output the following: SIFT: "Not Available"; PolyPhen-2: "Probably Damaging"; Align-GVGD: "Not Available". The methionine amino acid residue is found in multiple mammalian species, which suggests that this missense change does not adversely affect protein function. In summary, the available evidence is currently insufficient to determine the role of this variant in disease. Therefore, it has been classified as a Variant of Uncertain Significance.